The following is an entry in ClinVar:

ClinVar aggregate classification (germline): Conflicting classifications of pathogenicity. Review status: criteria provided, conflicting classifications (1 of 4 stars). 3 submissions from 3 submitters: Pathogenic (2); Uncertain significance (1). Last evaluated 2026-08-31.

Conditions:
Hereditary cancer-predisposing syndrome. Also called: Hereditary neoplastic syndrome; Hereditary Cancer Syndrome; Neoplastic Syndromes, Hereditary; Tumor predisposition. Identifiers: Orphanet 140162, MedGen C0027672, MeSH D009386, MONDO:0015356.
Hereditary nonpolyposis colorectal neoplasms. Identifiers: MedGen C0009405, MeSH D003123.
Lynch syndrome 5 (LYNCH5). Also called: Hereditary non-polyposis colorectal cancer, type 5; Colorectal cancer, hereditary nonpolyposis, type 5. Identifiers: Orphanet 144, MedGen C1833477, MONDO:0013710, OMIM 614350. Disease mechanism: loss of function.

Submissions (3):

Ambry Genetics
Classification: Uncertain significance for Hereditary cancer-predisposing syndrome. Last evaluated: 2026-08-31. Review status: criteria provided, single submitter. Criteria: Ambry Variant Classification Scheme 2023. Collection method: clinical testing. Allele origin: germline.
Comment: The c.3895_3935dup41 variant, located in coding exon 9 of the MSH6 gene, results from a duplication of 41 nucleotides at nucleotide position 3895 to 3935, causing a translational frameshift with a predicted alternate stop codon (p.I1313Afs*28). This variant occurs at the 3' terminus of the gene, is not expected to trigger nonsense-mediated mRNAdecay, and impacts the last 3.5% of the protein. The exact functional effect of this variant is unknown. Based on the available evidence, the clinical significance of this variant remains unclear.

Myriad Genetics, Inc.
Classification: Pathogenic for Lynch syndrome 5. Last evaluated: 2023-08-28. Review status: criteria provided, single submitter. Criteria: Myriad Autosomal Dominant, Autosomal Recessive and X-Linked Classification Criteria (2023). Collection method: clinical testing. Allele origin: unknown.
Comment: This variant is considered pathogenic. This variant creates a frameshift predicted to result in premature protein truncation.

Labcorp Genetics (formerly Invitae), Labcorp
Classification: Pathogenic for Hereditary nonpolyposis colorectal neoplasms. Last evaluated: 2023-05-06. Review status: criteria provided, single submitter. Criteria: Invitae Variant Classification Sherloc (09022015). Collection method: clinical testing. Allele origin: germline.
Comment: For these reasons, this variant has been classified as Pathogenic. This variant disrupts a region of the MSH6 protein in which other variant(s) (p.Arg1331*) have been determined to be pathogenic (PMID: 16034045, 18301448, 20587412, 21056691, 21642682, 27601186). This suggests that this is a clinically significant region of the protein, and that variants that disrupt it are likely to be disease-causing. This variant has not been reported in the literature in individuals affected with MSH6-related conditions. This variant is not present in population databases (gnomAD no frequency). This sequence change creates a premature translational stop signal (p.Ile1313Alafs*28) in the MSH6 gene. While this is not anticipated to result in nonsense mediated decay, it is expected to disrupt the last 48 amino acid(s) of the MSH6 protein.

Literature cited by the submitters: PubMed 16034045 (cited by Labcorp Genetics (formerly Invitae), Labcorp); PubMed 18301448 (cited by Labcorp Genetics (formerly Invitae), Labcorp); PubMed 20587412 (cited by Labcorp Genetics (formerly Invitae), Labcorp); PubMed 21056691 (cited by Labcorp Genetics (formerly Invitae), Labcorp); PubMed 21642682 (cited by Labcorp Genetics (formerly Invitae), Labcorp); PubMed 27601186 (cited by Labcorp Genetics (formerly Invitae), Labcorp).

NM_000179.3(MSH6):c.3895_3935dup (p.Ile1313fs)

Gene: MSH6 (mutS homolog 6; plus strand). Cytogenetic location: 2p16.3.
Variant type: Duplication.
Coding change: c.3895_3935dup on transcript NM_000179.3 (MANE Select); coding-DNA positions 3895 to 3935, 41 bases duplicated.
Protein change: p.Ile1313fs; shifts the reading frame from isoleucine 1313.
Molecular consequence: frameshift variant. On other transcripts: nonsense (1), non-coding transcript variant (5), intron variant (1).
Genome position (GRCh38, 1-based): chr2:47,806,545-47,806,585, 41 bases duplicated; duplicating any 41 consecutive bases within chr2:47,806,544-47,806,585 gives the same sequence; the c. name uses the placement nearest the transcript's 3' end. GRCh37 (hg19): chr2:48,033,684-48,033,724.
Other names: c.3895_3935dupGGCTTTAATGCAGCAAGGCTTGCTAATCTCCCAGAGGAAGT (NM_000179.2); c.3895_3935dup, p.Ile1313fs (NM_001406796.1, NM_001406808.1, NM_001406809.1); c.3598_3638dup, p.Ile1214fs (NM_001406797.1, NM_001406801.1, NM_001406805.1 and 10 more transcripts); c.3721_3761dup, p.Ile1255fs (NM_001406798.1); c.3370_3410dup, p.Ile1138fs (NM_001406799.1, NM_001406806.1, NM_001406807.1); c.3882_3922dup, p.Leu1308delinsTrpLeuTer (NM_001406800.1); c.3031_3071dup, p.Ile1025fs (NM_001406803.1); c.3817_3857dup, p.Ile1287fs (NM_001406804.1); and 10 more; short protein forms I1011fs, I1025fs, I1138fs, I1183fs, I1214fs, I1255fs, I1257fs, I1287fs.
Identifiers: ClinVar variation 2673646 (VCV002673646.5), dbSNP rs2530866389, ClinGen allele CA2695200643.
Genomic context (GRCh38, chr2:47,806,543, plus strand): 5'-CCAGCCAGGAGACTATTACGTTCCTCTATAAATTCATTAAGGGAGCTTGTCCTAAAAGCT[A>ATGGCTTTAATGCAGCAAGGCTTGCTAATCTCCCAGAGGAAG]TGGCTTTAATGCAGCAAGGCTTGCTAATCTCCCAGAGGAAGTTATTCAAAAGGGACATAG-3'